The following is an entry in ClinVar:

NM_021016.4(PSG3):c.90G>A (p.Leu30=)

Gene: PSG3 (pregnancy specific beta-1-glycoprotein 3; minus strand). Cytogenetic location: 19q13.2.
Variant type: single nucleotide variant.
Coding change: c.90G>A on transcript NM_021016.4 (MANE Select); coding-DNA position 90, G replaced by A.
Protein change: p.Leu30=; no amino-acid change (leucine 30 retained).
Molecular consequence: synonymous variant.
Genome position (GRCh38, 1-based): chr19:42,739,064, C>T on the plus strand (G>A on the coding strand, the complement: PSG3 is on the minus strand). VCF-style: chr19-42739064-C-T. GRCh37 (hg19) VCF-style: chr19-43243216-C-T.
Identifiers: ClinVar variation 2650045 (VCV002650045.24), dbSNP rs200893089, ClinGen allele CA9479025.

ClinVar aggregate classification (germline): Likely benign (1 of 4 stars; one submission).

Allele frequency attached by ClinVar (database versions not stated): TOPMed 0.00140; 1000 Genomes Project 30x 0.00187; 1000 Genomes Project 0.00220; ExAC 0.00273.

Submission:

CeGaT Center for Human Genetics Tuebingen
Classification: Likely benign. Last evaluated: 2022-07-01. Review status: criteria provided, single submitter. Criteria: CeGaT Center For Human Genetics Tuebingen Variant Classification Criteria Version 2. Collection method: clinical testing. Allele origin: germline. Affected: yes. Observed: 1 variant allele.
Comment: PSG3: BP4, BP7